The following is an entry in ClinVar:

NM_001164508.2(NEB):c.25058-2A>C

Genes: NEB (nebulin; minus strand), RIF1 (replication timing regulatory factor 1; plus strand). Cytogenetic location: 2q23.3.
Variant type: single nucleotide variant.
Coding change: c.25058-2A>C on transcript NM_001164508.2 (MANE Select); the canonical splice acceptor site of the intron before coding-DNA position 25058, A replaced by C.
Molecular consequence: splice acceptor variant.
Genome position (GRCh38, 1-based): chr2:151,491,777, T>G on the plus strand (A>C on the coding strand, the complement: NEB is on the minus strand). VCF-style: chr2-151491777-T-G. GRCh37 (hg19) VCF-style: chr2-152348291-T-G.
Other names: c.19490-2A>C (NM_004543.5); c.25058-2A>C (NM_001164507.2); c.25163-2A>C (NM_001271208.2).
Identifiers: ClinVar variation 553199 (VCV000553199.11), dbSNP rs866309952, ClinGen allele CA57661469.

ClinVar aggregate classification (germline): Likely pathogenic. Review status: criteria provided, multiple submitters, no conflicts (2 of 4 stars). 3 submissions from 3 submitters: Likely pathogenic (2). 1 of the submissions does not count toward it. Last evaluated 2026-06-29.

Conditions:
Nemaline myopathy 2 (NEM2). Also called: Nemaline myopathy 2, autosomal recessive. Identifiers: MedGen C1850569, MONDO:0009725, OMIM 256030.
Nemaline myopathy. Also called: Myopathies, Nemaline. Identifiers: Orphanet 607, MedGen C0206157, MONDO:0018958.

gnomAD v4.1: 3 of 1,578,496 alleles (0.00019%); highest among the groups gnomAD compares: South Asian, 0.0012%; no homozygotes.

Submissions (3):

Women's Health and Genetics/Laboratory Corporation of America, LabCorp
Classification: Likely pathogenic for Nemaline myopathy. Last evaluated: 2026-06-29. Review status: criteria provided, single submitter. Criteria: LabCorp Variant Classification Summary - May 2015. Collection method: clinical testing. Allele origin: germline.
Comment: Variant summary: NEB c.25163-2A>C is located in a canonical splice-site and is predicted to affect mRNA splicing resulting in a significantly altered protein due to either exon skipping, shortening, or inclusion of intronic material. Variants that disrupt the consensus splice site are a relatively common cause of aberrant splicing and loss of NEB function. Several computational tools predict a significant impact on normal splicing: Four predict the variant abolishes a 3' acceptor site. However, these predictions have yet to be confirmed by functional studies. The variant was absent in 197364 control chromosomes. c.25163-2A>C has been observed in individual(s) undergoing exome-based newborn screening (Shubina_2024). These report(s) do not provide unequivocal conclusions about association of the variant with disease. To our knowledge, no experimental evidence demonstrating an impact on protein function has been reported. The following publication has been ascertained in the context of this evaluation (PMID: 39033325). ClinVar contains an entry for this variant (Variation ID: 553199). Based on the evidence outlined above, the variant was classified as likely pathogenic.

Labcorp Genetics (formerly Invitae), Labcorp
Classification: Likely pathogenic for Nemaline myopathy 2. Last evaluated: 2023-11-06. Review status: criteria provided, single submitter. Criteria: Invitae Variant Classification Sherloc (09022015). Collection method: clinical testing. Allele origin: germline.
Comment: This sequence change affects an acceptor splice site in intron 179 of the NEB gene. It is expected to disrupt RNA splicing. Variants that disrupt the donor or acceptor splice site typically lead to a loss of protein function (PMID: 16199547), and loss-of-function variants in NEB are known to be pathogenic (PMID: 25205138). This variant is not present in population databases (gnomAD no frequency). This variant has not been reported in the literature in individuals affected with NEB-related conditions. ClinVar contains an entry for this variant (Variation ID: 553199). Algorithms developed to predict the effect of sequence changes on RNA splicing suggest that this variant may disrupt the consensus splice site. In summary, the currently available evidence indicates that the variant is pathogenic, but additional data are needed to prove that conclusively. Therefore, this variant has been classified as Likely Pathogenic.

Counsyl
Classification: Likely pathogenic for Nemaline myopathy 2. Last evaluated: 2017-08-07. Review status: no assertion criteria provided. Collection method: clinical testing. Allele origin: unknown. Not counted in ClinVar's aggregate classification.

Literature cited by the submitters: PubMed 39033325 (cited by Women's Health and Genetics/Laboratory Corporation of America, LabCorp); PubMed 16199547 (cited by Labcorp Genetics (formerly Invitae), Labcorp); PubMed 25205138 (cited by Labcorp Genetics (formerly Invitae), Labcorp).